The following is an entry in ClinVar:

ClinVar aggregate classification (germline): Pathogenic (1 of 4 stars; one submission).

Conditions:
Tuberous sclerosis 1 (TSC1). Identifiers: Orphanet 805, MedGen C1854465, MONDO:0008612, OMIM 191100.

Submission:

Labcorp Genetics (formerly Invitae), Labcorp
Classification: Pathogenic for Tuberous sclerosis 1. Last evaluated: 2024-07-26. Review status: criteria provided, single submitter. Criteria: Invitae Variant Classification Sherloc (09022015). Collection method: clinical testing. Allele origin: germline.
Comment: This sequence change creates a premature translational stop signal (p.Tyr312Leufs*29) in the TSC1 gene. It is expected to result in an absent or disrupted protein product. Loss-of-function variants in TSC1 are known to be pathogenic (PMID: 10227394, 17304050). This variant is not present in population databases (gnomAD no frequency). This variant has not been reported in the literature in individuals affected with TSC1-related conditions. For these reasons, this variant has been classified as Pathogenic.

Literature cited by the submitters: PubMed 10227394; PubMed 17304050.

NM_000368.5(TSC1):c.932dup (p.Tyr312fs)

Gene: TSC1 (TSC complex subunit 1; minus strand). Cytogenetic location: 9q34.13.
Variant type: Duplication.
Coding change: c.932dup on transcript NM_000368.5 (MANE Select); coding-DNA position 932, one base duplicated (C; older notation c.932dupC).
Protein change: p.Tyr312fs; shifts the reading frame from tyrosine 312.
Molecular consequence: frameshift variant. On other transcripts: 5 prime UTR variant (5), non-coding transcript variant (5).
Genome position (GRCh38, 1-based): chr9:132,911,550, G duplicated on the plus strand (C on the coding strand, the reverse complement: TSC1 is on the minus strand); the first of 4 consecutive G bases (chr9:132,911,550-132,911,553); duplicating any one gives the same sequence. VCF-style (leftmost placement, unchanged base first): chr9-132911549-A-AG. GRCh37 (hg19) VCF-style: chr9-135786936-A-AG.
Other names: c.932dup, p.Tyr312fs (NM_001162426.2, NM_001406592.1, NM_001406593.1 and 16 more transcripts); c.779dup, p.Tyr261fs (NM_001162427.2, NM_001406610.1, NM_001406611.1 and 2 more transcripts); c.569dup, p.Tyr191fs (NM_001362177.2, NM_001406614.1, NM_001406615.1 and 10 more transcripts); c.-20dup (NM_001406626.1, NM_001406627.1, NM_001406628.1); c.-162dup (NM_001406629.1, NM_001406630.1); short protein forms Y191fs, Y312fs, Y261fs.
Identifiers: ClinVar variation 3660653 (VCV003660653.2).